The following is an entry in ClinVar:

ClinVar aggregate classification (germline): Uncertain significance. Review status: criteria provided, multiple submitters, no conflicts (2 of 4 stars). 5 submissions from 5 submitters: Uncertain significance (4). 1 of the submissions does not count toward it. Last evaluated 2023-10-03.

Conditions:
Hereditary cancer-predisposing syndrome. Also called: Neoplastic Syndromes, Hereditary; Hereditary neoplastic syndrome; Tumor predisposition; Hereditary Cancer Syndrome. Identifiers: Orphanet 140162, MedGen C0027672, MeSH D009386, MONDO:0015356.
Ataxia-telangiectasia syndrome (AT). Also called: Ataxia telangiectasia (A-T); Cerebello-oculocutaneous telangiectasia; Immunodeficiency with ataxia telangiectasia; LOUIS-BAR SYNDROME; AT, COMPLEMENTATION GROUP C; ATAXIA-TELANGIECTASIA, FRESNO VARIANT. Identifiers: Orphanet 100, MedGen C0004135, MONDO:0008840, OMIM 208900.
Familial cancer of breast. Also called: hereditary breast carcinoma; Hereditary breast cancer; BREAST CANCER, FAMILIAL. Identifiers: Orphanet 227535, MedGen C0346153, MONDO:0016419, OMIM 114480. Disease mechanism: loss of function.

Allele frequency attached by ClinVar (database versions not stated): gnomAD exomes below 0.00001.
gnomAD v4.1: 1 of 1,613,188 alleles (0.000062%); highest among the groups gnomAD compares: Admixed American, 0.0017%; no homozygotes.

Submissions (5):

Baylor Genetics
Classification: Uncertain significance for Familial cancer of breast. Last evaluated: 2023-10-03. Review status: criteria provided, single submitter. Criteria: ACMG Guidelines, 2015. Collection method: clinical testing. Allele origin: unknown.

Color Diagnostics, LLC DBA Color Health
Classification: Uncertain significance for Hereditary cancer-predisposing syndrome. Last evaluated: 2022-11-22. Review status: criteria provided, single submitter. Criteria: ACMG Guidelines, 2015. Collection method: clinical testing. Allele origin: germline.
Comment: This missense variant replaces aspartic acid with alanine at codon 2625 of the ATM protein. Computational prediction is inconclusive regarding the impact of this variant on protein structure and function (internally defined REVEL score threshold 0.5 < inconclusive < 0.7, PMID: 27666373). To our knowledge, functional studies have not been reported for this variant. This variant has not been reported in individuals affected with ATM-related disorders in the literature. This variant has been identified in 1/250892 chromosomes in the general population by the Genome Aggregation Database (gnomAD). The available evidence is insufficient to determine the role of this variant in disease conclusively. Therefore, this variant is classified as a Variant of Uncertain Significance.

Blueprint Genetics
Classification: Uncertain significance. Last evaluated: 2022-05-24. Review status: criteria provided, single submitter. Criteria: ACMG Guidelines, 2015. Collection method: clinical testing. Allele origin: germline.

Ambry Genetics
Classification: Uncertain significance for Hereditary cancer-predisposing syndrome. Last evaluated: 2015-07-16. Review status: criteria provided, single submitter. Criteria: Ambry Variant Classification Scheme 2023. Collection method: clinical testing. Allele origin: germline.
Comment: The p.D2625A variant (also known as c.7874A>C), located in coding exon 52 of the ATM gene, results from an A to C substitution at nucleotide position 7874. The aspartic acid at codon 2625 is replaced by alanine, an amino acid with dissimilar properties. A similar alteration, p.D2625G, was reported in 1/4112 breast cancer cases and not in 2399 controls, and was reported to have a AGVGD score of C15 and a SIFT score of 0.06 (Tavtigian SV et al. Am. J. Hum. Genet. 2009 Oct;85(4):427-46). This variant was not reported in population based cohorts in the following databases: Database of Single Nucleotide Polymorphisms (dbSNP), NHLBI Exome Sequencing Project (ESP), and 1000 Genomes Project. In the ESP, this variant was not observed in 6497 samples (12994 alleles) with coverage at this position. To date, this alteration has been detected with an allele frequency of approximately 0.002% (greater than 66000 alleles tested) in our clinical cohort. This amino acid position is highly conserved in available vertebrate species. In addition, this alteration is predicted to be deleterious by in silico analysis. Since supporting evidence is limited at this time, the clinical significance of p.D2625A remains unclear.

Natera, Inc.
Classification: Uncertain significance for Ataxia-telangiectasia. Last evaluated: 2021-09-10. Review status: no assertion criteria provided. Collection method: clinical testing. Allele origin: germline. Not counted in ClinVar's aggregate classification.

Literature cited by the submitters: PubMed 19781682 (cited by Ambry Genetics).

NM_000051.4(ATM):c.7874A>C (p.Asp2625Ala)

Genes: ATM (ATM serine/threonine kinase; plus strand), C11orf65 (chromosome 11 open reading frame 65; minus strand). Cytogenetic location: 11q22.3.
Variant type: single nucleotide variant.
Coding change: c.7874A>C on transcript NM_000051.4 (MANE Select); coding-DNA position 7874, A replaced by C.
Protein change: p.Asp2625Ala; replaces aspartic acid 2625 with alanine.
Molecular consequence: missense variant. On other transcripts: intron variant (2).
Genome position (GRCh38, 1-based): chr11:108,332,847, A>C. VCF-style: chr11-108332847-A-C. GRCh37 (hg19) VCF-style: chr11-108203574-A-C.
Other names: c.7874A>C, p.Asp2625Ala (NM_001351834.2); c.641-23776T>G (NM_001330368.2); c.*38+2373T>G (NM_001351110.2); short protein forms D2625A.
Identifiers: ClinVar variation 232996 (VCV000232996.11), dbSNP rs876660121, ClinGen allele CA10579272.